The following is an entry in ClinVar:

NM_000069.3(CACNA1S):c.900+9G>A

Gene: CACNA1S (calcium voltage-gated channel subunit alpha1 S; minus strand). Cytogenetic location: 1q32.1.
Variant type: single nucleotide variant.
Coding change: c.900+9G>A on transcript NM_000069.3 (MANE Select); 9 bases into the intron after coding-DNA position 900, G replaced by A.
Molecular consequence: intron variant.
Genome position (GRCh38, 1-based): chr1:201,089,249, C>T on the plus strand (G>A on the coding strand, the complement: CACNA1S is on the minus strand). VCF-style: chr1-201089249-C-T. GRCh37 (hg19) VCF-style: chr1-201058377-C-T.
Identifiers: ClinVar variation 509777 (VCV000509777.7), dbSNP rs1454687459, ClinGen allele CA658795584.
Genomic context (GRCh38, chr1:201,089,249, plus strand): 5'-TCCCTCCCCACTCCCTTGCAAGCCTGTGGATGAAGGGAGATGGTTCTGCAGGCGCGGGCC[C>T]AGACCCACCCAGTAAAGGACGTCAGTCCATCCCTCCATGGTAATGCACTGGTACACGGTG-3'

ClinVar aggregate classification (germline): Likely benign. Review status: criteria provided, multiple submitters, no conflicts (2 of 4 stars). 2 submissions from 2 submitters: Likely benign (2). Last evaluated 2025-09-24.

Conditions:
Hypokalemic periodic paralysis, type 1. Also called: HypoPP; Hypokalemic Periodic Paralysis Type 1 (AD). Identifiers: Orphanet 681, MedGen C3714580, MONDO:0042979, OMIM 170400.
Malignant hyperthermia, susceptibility to, 5 (MHS5). Also called: CACNA1S-Related Malignant Hyperthermia Susceptibility. Identifiers: Orphanet 423, MedGen C1866077, MONDO:0011163, OMIM 601887.

Allele frequency attached by ClinVar (database versions not stated): gnomAD exomes below 0.00001; TOPMed below 0.00001; gnomAD 0.00001.
gnomAD v4.1: 2 of 1,613,886 alleles (0.00012%); highest among the groups gnomAD compares: African/African-American, 0.0027%; no homozygotes.

Submissions (2):

Labcorp Genetics (formerly Invitae), Labcorp
Classification: Likely benign for Hypokalemic periodic paralysis, type 1; Malignant hyperthermia, susceptibility to, 5. Last evaluated: 2025-09-24. Review status: criteria provided, single submitter. Criteria: Invitae Variant Classification Sherloc (09022015). Collection method: clinical testing. Allele origin: germline.

GeneDx
Classification: Likely benign. Last evaluated: 2017-06-20. Review status: criteria provided, single submitter. Criteria: GeneDx Variant Classification (06012015). Collection method: clinical testing. Allele origin: germline. Affected: yes.
Comment: This variant is considered likely benign or benign based on one or more of the following criteria: it is a conservative change, it occurs at a poorly conserved position in the protein, it is predicted to be benign by multiple in silico algorithms, and/or has population frequency not consistent with disease.